The following is an entry in ClinVar:

ClinVar aggregate classification (germline): Uncertain significance (1 of 4 stars; one submission).

Allele frequency attached by ClinVar (database versions not stated): gnomAD 0.00001; TOPMed 0.00001.
gnomAD v4.1: 1 of 152,032 alleles (0.00066%); highest among the groups gnomAD compares: Non-Finnish European, 0.0015%; no homozygotes.

Submission:

Labcorp Genetics (formerly Invitae), Labcorp
Classification: Uncertain significance. Last evaluated: 2024-03-17. Review status: criteria provided, single submitter. Criteria: Invitae Variant Classification Sherloc (09022015). Collection method: clinical testing. Allele origin: germline.
Comment: This sequence change falls in intron 5 of the LMBR1 gene. It does not directly change the encoded amino acid sequence of the LMBR1 protein. This variant is not present in population databases (gnomAD no frequency). This variant has not been reported in the literature in individuals affected with LMBR1-related conditions. Studies have shown that this variant affects the ZPA regulatory sequence (ZRS) within intron 5 of the LMBR1 gene, which regulates the expression of certain genes that are important for limb development (PMID: 29651423). In summary, the available evidence is currently insufficient to determine the role of this variant in disease. Therefore, it has been classified as a Variant of Uncertain Significance.

Literature cited by the submitters: PubMed 29651423.

NM_022458.4(LMBR1):c.423+5285G>A

Genes: LMBR1 (limb development membrane protein 1; minus strand), ZRS (ZPA regulatory sequence; plus strand). Cytogenetic location: 7q36.3.
Variant type: single nucleotide variant.
Coding change: c.423+5285G>A on transcript NM_022458.4 (MANE Select); 5285 bases into the intron after coding-DNA position 423, G replaced by A.
Molecular consequence: intron variant.
Genome position (GRCh38, 1-based): chr7:156,791,104, C>T on the plus strand (G>A on the coding strand, the complement: LMBR1 is on the minus strand). VCF-style: chr7-156791104-C-T. GRCh37 (hg19) VCF-style: chr7-156583798-C-T.
Other names: c.360+5285G>A (NM_001363412.2); c.144+5285G>A (NM_001350954.2); c.423+5285G>A (NM_001363410.2, NM_001363409.2, NM_001350953.2); c.-112+5285G>A (NM_001350958.2, NM_001350956.2, NM_001350955.2 and 1 more transcripts); c.54+5285G>A (NM_001350957.2, NM_001363411.2).
Identifiers: ClinVar variation 3014705 (VCV003014705.3), dbSNP rs1218850332, ClinGen allele CA835804312.